The following is an entry in ClinVar:

ClinVar aggregate classification (germline): Pathogenic (1 of 4 stars; one submission).

Conditions:
Fanconi anemia (FA). Also called: Fanconi's anemia. Identifiers: Orphanet 84, MedGen C0015625, MeSH D005199, MONDO:0019391.

Submission:

Labcorp Genetics (formerly Invitae), Labcorp
Classification: Pathogenic for Fanconi anemia. Last evaluated: 2023-04-06. Review status: criteria provided, single submitter. Criteria: Invitae Variant Classification Sherloc (09022015). Collection method: clinical testing. Allele origin: germline.
Comment: This sequence change creates a premature translational stop signal (p.Asp1427Glyfs*19) in the FANCA gene. While this is not anticipated to result in nonsense mediated decay, it is expected to disrupt the last 29 amino acid(s) of the FANCA protein. This variant is not present in population databases (gnomAD no frequency). This variant has not been reported in the literature in individuals affected with FANCA-related conditions. This variant disrupts a region of the FANCA protein in which other variant(s) (p.Asp1429Asn) have been determined to be pathogenic (Invitae). This suggests that this is a clinically significant region of the protein, and that variants that disrupt it are likely to be disease-causing. For these reasons, this variant has been classified as Pathogenic.

NM_000135.4(FANCA):c.4279dup (p.Asp1427fs)

Genes: FANCA (FA complementation group A; minus strand), ZNF276 (zinc finger protein 276; plus strand). Cytogenetic location: 16q24.3.
Variant type: Duplication.
Coding change: c.4279dup on transcript NM_000135.4 (MANE Select); coding-DNA position 4279, one base duplicated (G; older notation c.4279dupG).
Protein change: p.Asp1427fs; shifts the reading frame from aspartic acid 1427.
Molecular consequence: frameshift variant. On other transcripts: 3 prime UTR variant (3), non-coding transcript variant (4).
Genome position (GRCh38, 1-based): chr16:89,738,690, C duplicated on the plus strand (G on the coding strand, the reverse complement: FANCA is on the minus strand); the first of 4 consecutive C bases (chr16:89,738,690-89,738,693); duplicating any one gives the same sequence. VCF-style (leftmost placement, unchanged base first): chr16-89738689-T-TC. GRCh37 (hg19) VCF-style: chr16-89805097-T-TC.
Other names: c.*447dup (NM_001113525.2, NM_152287.4); c.*8dup (NM_001286167.3); short protein forms D1427fs.
Identifiers: ClinVar variation 2852174 (VCV002852174.3), dbSNP rs2544073417, ClinGen allele CA2739267019.